The following is an entry in ClinVar:

NM_006206.6(PDGFRA):c.1904C>G (p.Ser635Cys)

Gene: PDGFRA (platelet derived growth factor receptor alpha; plus strand). Cytogenetic location: 4q12.
Variant type: single nucleotide variant.
Coding change: c.1904C>G on transcript NM_006206.6 (MANE Select); coding-DNA position 1904, C replaced by G.
Protein change: p.Ser635Cys; replaces serine 635 with cysteine.
Molecular consequence: missense variant.
Genome position (GRCh38, 1-based): chr4:54,277,908, C>G. VCF-style: chr4-54277908-C-G. GRCh37 (hg19) VCF-style: chr4-55144075-C-G.
Other names: c.1904C>G, p.Ser635Cys (NM_001347827.2, NM_001347829.2); c.1979C>G, p.Ser660Cys (NM_001347828.2); c.1943C>G, p.Ser648Cys (NM_001347830.2); short protein forms S648C, S635C, S660C.
Identifiers: ClinVar variation 2735852 (VCV002735852.4), dbSNP rs2110310935, ClinGen allele CA356893585.
Genomic context (GRCh38, chr4:54,277,908, plus strand): 5'-GAAGTTGGTAGCTCAGCTGGACTGATATGTGATTTATTCTTTCAACAGCCACGGCCAGAT[C>G]CAGTGAAAAACAAGCTCTCATGTCTGAACTGAAGATAATGACTCACCTGGGGCCACATTT-3'
Protein context (NP_006197.1, residues 625-645): AVKMLKPTAR[Ser635Cys]SEKQALMSEL

ClinVar aggregate classification (germline): Uncertain significance. Review status: criteria provided, multiple submitters, no conflicts (2 of 4 stars). 2 submissions from 2 submitters: Uncertain significance (2). Last evaluated 2024-12-07.

Conditions:
Hereditary cancer-predisposing syndrome. Also called: Neoplastic Syndromes, Hereditary; Tumor predisposition; Hereditary Cancer Syndrome; Hereditary neoplastic syndrome. Identifiers: Orphanet 140162, MedGen C0027672, MeSH D009386, MONDO:0015356.
Gastrointestinal stromal tumor. Also called: Gastrointestinal stromal tumor, somatic; Gastrointestinal stroma tumor. Identifiers: Orphanet 44890, MedGen C0238198, MeSH D046152, MONDO:0011719, OMIM 606764, HP:0100723.

Submissions (2):

Ambry Genetics
Classification: Uncertain significance for Hereditary cancer-predisposing syndrome. Last evaluated: 2024-12-07. Review status: criteria provided, single submitter. Criteria: Ambry Variant Classification Scheme 2023. Collection method: clinical testing. Allele origin: germline.
Comment: The p.S635C variant (also known as c.1904C>G), located in coding exon 13 of the PDGFRA gene, results from a C to G substitution at nucleotide position 1904. The serine at codon 635 is replaced by cysteine, an amino acid with dissimilar properties. This amino acid position is conserved. In addition, the in silico prediction for this alteration is inconclusive. Based on the available evidence, the clinical significance of this variant remains unclear.

Labcorp Genetics (formerly Invitae), Labcorp
Classification: Uncertain significance for Gastrointestinal stromal tumor. Last evaluated: 2023-10-09. Review status: criteria provided, single submitter. Criteria: Invitae Variant Classification Sherloc (09022015). Collection method: clinical testing. Allele origin: germline.
Comment: This sequence change replaces serine, which is neutral and polar, with cysteine, which is neutral and slightly polar, at codon 635 of the PDGFRA protein (p.Ser635Cys). This variant is not present in population databases (gnomAD no frequency). This variant has not been reported in the literature in individuals affected with PDGFRA-related conditions. Advanced modeling of protein sequence and biophysical properties (such as structural, functional, and spatial information, amino acid conservation, physicochemical variation, residue mobility, and thermodynamic stability) performed at Invitae indicates that this missense variant is not expected to disrupt PDGFRA protein function. In summary, the available evidence is currently insufficient to determine the role of this variant in disease. Therefore, it has been classified as a Variant of Uncertain Significance.